The following is an entry in ClinVar:

NC_000022.11:g.31804164_31804174dup

Gene: DEPDC5 (DEP domain containing 5, GATOR1 subcomplex subunit; plus strand). Cytogenetic location: 22q12.3.
Variant type: Duplication.
Genome position: GRCh38 VCF-style: chr22-31804160-A-AGGAATTGGTGT. GRCh37 (hg19) VCF-style: chr22-32200146-A-AGGAATTGGTGT.
Identifiers: ClinVar variation 2010580 (VCV002010580.5), dbSNP rs2518913677, ClinGen allele CA2580099639.

ClinVar aggregate classification (germline): Pathogenic (1 of 4 stars; one submission).

Conditions:
Familial focal epilepsy with variable foci (FPEVF). Identifiers: Orphanet 98820, MedGen C1858477, MONDO:0020310.

Submission:

Labcorp Genetics (formerly Invitae), Labcorp
Classification: Pathogenic for Familial focal epilepsy with variable foci. Last evaluated: 2025-03-31. Review status: criteria provided, single submitter. Criteria: Invitae Variant Classification Sherloc (09022015). Collection method: clinical testing. Allele origin: germline.
Comment: This sequence change creates a premature translational stop signal (p.Asp365Glufs*43) in the DEPDC5 gene. It is expected to result in an absent or disrupted protein product. Loss-of-function variants in DEPDC5 are known to be pathogenic (PMID: 23542697, 23542701). This variant is not present in population databases (gnomAD no frequency). This variant has not been reported in the literature in individuals affected with DEPDC5-related conditions. ClinVar contains an entry for this variant (Variation ID: 2010580). Algorithms developed to predict the effect of sequence changes on RNA splicing suggest that this variant may disrupt the consensus splice site. For these reasons, this variant has been classified as Pathogenic.

Literature cited by the submitters: PubMed 23542697; PubMed 23542701.